The following is an entry in ClinVar:

NM_000135.4(FANCA):c.1754C>A (p.Pro585His)

Gene: FANCA (FA complementation group A; minus strand). Cytogenetic location: 16q24.3.
Variant type: single nucleotide variant.
Coding change: c.1754C>A on transcript NM_000135.4 (MANE Select); coding-DNA position 1754, C replaced by A.
Protein change: p.Pro585His; replaces proline 585 with histidine.
Molecular consequence: missense variant.
Genome position (GRCh38, 1-based): chr16:89,778,965, G>T on the plus strand (C>A on the coding strand, the complement: FANCA is on the minus strand). VCF-style: chr16-89778965-G-T. GRCh37 (hg19) VCF-style: chr16-89845373-G-T.
Other names: c.1754C>A, p.Pro585His (NM_001286167.3); short protein forms P585H.
Identifiers: ClinVar variation 4254189 (VCV004254189.1).

ClinVar aggregate classification (germline): Uncertain significance (1 of 4 stars; one submission).

Conditions:
Inborn genetic diseases. Identifiers: MedGen C0950123, MeSH D030342.

Submission:

Ambry Genetics
Classification: Uncertain significance for Inborn genetic diseases. Last evaluated: 2025-07-11. Review status: criteria provided, single submitter. Criteria: Ambry Variant Classification Scheme 2023. Collection method: clinical testing. Allele origin: germline.
Comment: The p.P585H variant (also known as c.1754C>A), located in coding exon 19 of the FANCA gene, results from a C to A substitution at nucleotide position 1754. The proline at codon 585 is replaced by histidine, an amino acid with similar properties. This amino acid position is conserved. In addition, this alteration is predicted to be deleterious by in silico analysis. Based on the available evidence, the clinical significance of this variant remains unclear.